The following is an entry in ClinVar:

NM_001851.6(COL9A1):c.512A>G (p.Asn171Ser)

Gene: COL9A1 (collagen type IX alpha 1 chain; minus strand). Cytogenetic location: 6q13.
Variant type: single nucleotide variant.
Coding change: c.512A>G on transcript NM_001851.6 (MANE Select); coding-DNA position 512, A replaced by G.
Protein change: p.Asn171Ser; replaces asparagine 171 with serine.
Molecular consequence: missense variant.
Genome position (GRCh38, 1-based): chr6:70,294,351, T>C on the plus strand (A>G on the coding strand, the complement: COL9A1 is on the minus strand). VCF-style: chr6-70294351-T-C. GRCh37 (hg19) VCF-style: chr6-71004054-T-C.
Other names: c.512A>G, p.Asn171Ser (NM_001377291.1); short protein forms N171S.
Identifiers: ClinVar variation 1018477 (VCV001018477.11), dbSNP rs201634520, ClinGen allele CA3882790.

ClinVar aggregate classification (germline): Uncertain significance. Review status: criteria provided, multiple submitters, no conflicts (2 of 4 stars). 3 submissions from 3 submitters: Uncertain significance (3). Last evaluated 2025-01-07.

Conditions:
Inborn genetic diseases. Identifiers: MedGen C0950123, MeSH D030342.

Allele frequency attached by ClinVar (database versions not stated): ExAC 0.00004; gnomAD exomes 0.00007 and 0.00011; TOPMed 0.00008; gnomAD 0.00010 and 0.00011.
gnomAD v4.1: 174 of 1,613,910 alleles (0.011%); highest among the groups gnomAD compares: Non-Finnish European, 0.014%; no homozygotes.

Submissions (3):

Labcorp Genetics (formerly Invitae), Labcorp
Classification: Uncertain significance. Last evaluated: 2025-01-07. Review status: criteria provided, single submitter. Criteria: Invitae Variant Classification Sherloc (09022015). Collection method: clinical testing. Allele origin: germline.
Comment: This sequence change replaces asparagine, which is neutral and polar, with serine, which is neutral and polar, at codon 171 of the COL9A1 protein (p.Asn171Ser). This variant is present in population databases (rs201634520, gnomAD 0.01%). This variant has not been reported in the literature in individuals affected with COL9A1-related conditions. ClinVar contains an entry for this variant (Variation ID: 1018477). Invitae Evidence Modeling of protein sequence and biophysical properties (such as structural, functional, and spatial information, amino acid conservation, physicochemical variation, residue mobility, and thermodynamic stability) indicates that this missense variant is not expected to disrupt COL9A1 protein function with a negative predictive value of 95%. In summary, the available evidence is currently insufficient to determine the role of this variant in disease. Therefore, it has been classified as a Variant of Uncertain Significance.

Ambry Genetics
Classification: Uncertain significance for Inborn genetic diseases. Last evaluated: 2024-10-26. Review status: criteria provided, single submitter. Criteria: Ambry Variant Classification Scheme 2023. Collection method: clinical testing. Allele origin: germline.

GeneDx
Classification: Uncertain significance. Last evaluated: 2019-09-16. Review status: criteria provided, single submitter. Criteria: GeneDx Variant Classification Process June 2021. Collection method: clinical testing. Allele origin: germline. Affected: yes.
Comment: Has not been previously published as pathogenic or benign to our knowledge; In silico analysis, which includes protein predictors and evolutionary conservation, supports that this variant does not alter protein structure/function